The following is an entry in ClinVar:

ClinVar aggregate classification (germline): Uncertain significance (1 of 4 stars; one submission).

Conditions:
Hereditary cancer-predisposing syndrome. Also called: Tumor predisposition; Neoplastic Syndromes, Hereditary; Hereditary neoplastic syndrome; Hereditary Cancer Syndrome. Identifiers: Orphanet 140162, MedGen C0027672, MeSH D009386, MONDO:0015356.

Submission:

Ambry Genetics
Classification: Uncertain significance for Hereditary cancer-predisposing syndrome. Last evaluated: 2025-08-27. Review status: criteria provided, single submitter. Criteria: Ambry Variant Classification Scheme 2023. Collection method: clinical testing. Allele origin: germline.
Comment: The p.Q500E variant (also known as c.1498C>G), located in coding exon 15 of the MUTYH gene, results from a C to G substitution at nucleotide position 1498. The glutamine at codon 500 is replaced by glutamic acid, an amino acid with highly similar properties. This amino acid position is conserved. In addition, this alteration is predicted to be tolerated by in silico analysis. Based on the available evidence, the clinical significance of this variant remains unclear.

NM_001048174.2(MUTYH):c.1414C>G (p.Gln472Glu)

Gene: MUTYH (mutY DNA glycosylase; minus strand). Cytogenetic location: 1p34.1.
Variant type: single nucleotide variant.
Coding change: c.1414C>G on transcript NM_001048174.2 (MANE Select); coding-DNA position 1414, C replaced by G.
Protein change: p.Gln472Glu; replaces glutamine 472 with glutamic acid.
Molecular consequence: missense variant. On other transcripts: non-coding transcript variant (7).
Genome position (GRCh38, 1-based): chr1:45,330,536, G>C on the plus strand (C>G on the coding strand, the complement: MUTYH is on the minus strand). VCF-style: chr1-45330536-G-C. GRCh37 (hg19) VCF-style: chr1-45796208-G-C.
Other names: c.1447C>G, p.Gln483Glu (NM_001293191.2, NM_001407069.1, NM_001407077.1); c.1138C>G, p.Gln380Glu (NM_001293192.2, NM_001293196.2, NM_001407091.1); c.1414C>G, p.Gln472Glu (NM_001293195.2, NM_001407081.1, NM_001407088.1 and 6 more transcripts); c.1069C>G, p.Gln357Glu (NM_001350650.2, NM_001407082.1, NM_001350651.2); c.1372C>G, p.Gln458Glu (NM_001407080.1); c.1456C>G, p.Gln486Glu (NM_001407083.1, NM_001407085.1); c.1417C>G, p.Gln473Glu (NM_001407086.1, NM_001048172.2, NM_001407071.1 and 1 more transcripts); c.1435C>G, p.Gln479Glu (NM_001407087.1); and 5 more; short protein forms Q380E, Q459E, Q473E, Q472E, Q497E, Q458E, Q479E, Q483E.
Identifiers: ClinVar variation 4113286 (VCV004113286.1).